The following is an entry in ClinVar:

NM_000179.2(MSH6):c.(?_-152)_(*93_?)del

Genes: FBXO11 (F-box protein 11; minus strand), MSH6 (mutS homolog 6; plus strand), LOC129933706 (ATAC-STARR-seq lymphoblastoid silent region 11467; plus strand), LOC129933707 (ATAC-STARR-seq lymphoblastoid silent region 11468; plus strand), LOC129933708 (ATAC-STARR-seq lymphoblastoid silent region 11469; plus strand). Cytogenetic location: 2p16.3.
Variant type: Deletion.
Coding change: c.(?_-152)_(*93_?)del on transcript NM_000179.2; a large deletion whose breakpoints are not mapped to the base.
Other names: c.(?_-152)_(*93_?)del (LRG_219t1).
Identifiers: ClinVar variation 89149 (VCV000089149.2).

ClinVar aggregate classification (germline): Pathogenic (3 of 4 stars; one submission).

Conditions:
Lynch syndrome. Identifiers: Orphanet 144, MedGen C4552100, MONDO:0005835. Disease mechanism: loss of function.

Submission:

International Society for Gastrointestinal Hereditary Tumours (InSiGHT)
Classification: Pathogenic for Lynch Syndrome. Last evaluated: 2013-09-05. Review status: reviewed by expert panel. Criteria: Guidelines v1.9. Collection method: research. Allele origin: germline.
Comment: Large deletion

Classified with v1.9 guidelines